The following is an entry in ClinVar:

ClinVar aggregate classification (germline): Pathogenic (1 of 4 stars; one submission).

Conditions:
Ataxia-telangiectasia syndrome (AT). Also called: Ataxia-telangiectasia; LOUIS-BAR SYNDROME; Ataxia-telangiectasia, complementation group D; AT, COMPLEMENTATION GROUP C; ATAXIA-TELANGIECTASIA, COMPLEMENTATION GROUP A; ATAXIA-TELANGIECTASIA, FRESNO VARIANT. Identifiers: Orphanet 100, MedGen C0004135, MONDO:0008840, OMIM 208900.

Submission:

Labcorp Genetics (formerly Invitae), Labcorp
Classification: Pathogenic for Ataxia-telangiectasia syndrome. Last evaluated: 2021-11-23. Review status: criteria provided, single submitter. Criteria: Invitae Variant Classification Sherloc (09022015). Collection method: clinical testing. Allele origin: germline.
Comment: This variant is not present in population databases (gnomAD no frequency). For these reasons, this variant has been classified as Pathogenic. This variant has not been reported in the literature in individuals affected with ATM-related conditions. This sequence change creates a premature translational stop signal (p.Ser2127*) in the ATM gene. It is expected to result in an absent or disrupted protein product. Loss-of-function variants in ATM are known to be pathogenic (PMID: 23807571, 25614872).

Literature cited by the submitters: PubMed 23807571; PubMed 25614872.

NM_000051.4(ATM):c.6380C>G (p.Ser2127Ter)

Genes: ATM (ATM serine/threonine kinase; plus strand), C11orf65 (chromosome 11 open reading frame 65; minus strand). Cytogenetic location: 11q22.3.
Variant type: single nucleotide variant.
Coding change: c.6380C>G on transcript NM_000051.4 (MANE Select); coding-DNA position 6380, C replaced by G.
Protein change: p.Ser2127Ter; replaces serine 2127 with a stop codon.
Molecular consequence: nonsense. On other transcripts: intron variant (2).
Genome position (GRCh38, 1-based): chr11:108,319,986, C>G. VCF-style: chr11-108319986-C-G. GRCh37 (hg19) VCF-style: chr11-108190713-C-G.
Other names: c.6380C>G, p.Ser2127Ter (NM_001351834.2); c.641-10915G>C (NM_001330368.2); c.*39-10915G>C (NM_001351110.2); short protein forms S2127*.
Identifiers: ClinVar variation 1454571 (VCV001454571.7), dbSNP rs2136219729, ClinGen allele CA382553290.